The following is an entry in ClinVar:

ClinVar aggregate classification (germline): Uncertain significance. Review status: criteria provided, multiple submitters, no conflicts (2 of 4 stars). 3 submissions from 3 submitters: Uncertain significance (3). Last evaluated 2025-09-01.

Conditions:
Inborn genetic diseases. Identifiers: MedGen C0950123, MeSH D030342.

Allele frequency attached by ClinVar (database versions not stated): TOPMed 0.00002.

Submissions (3):

Ambry Genetics
Classification: Uncertain significance for Inborn genetic diseases. Last evaluated: 2025-09-01. Review status: criteria provided, single submitter. Criteria: Ambry Variant Classification Scheme 2023. Collection method: clinical testing. Allele origin: germline.

Labcorp Genetics (formerly Invitae), Labcorp
Classification: Uncertain significance. Last evaluated: 2021-09-17. Review status: criteria provided, single submitter. Criteria: Invitae Variant Classification Sherloc (09022015). Collection method: clinical testing. Allele origin: germline.
Comment: This sequence change replaces arginine with glutamine at codon 858 of the NBAS protein (p.Arg858Gln). The arginine residue is highly conserved and there is a small physicochemical difference between arginine and glutamine. This variant is not present in population databases (ExAC no frequency). This variant has not been reported in the literature in individuals affected with NBAS-related conditions. ClinVar contains an entry for this variant (Variation ID: 808670). Algorithms developed to predict the effect of missense changes on protein structure and function are either unavailable or do not agree on the potential impact of this missense change (SIFT: "Tolerated"; PolyPhen-2: "Possibly Damaging"; Align-GVGD: "Class C0"). In summary, the available evidence is currently insufficient to determine the role of this variant in disease. Therefore, it has been classified as a Variant of Uncertain Significance.

CeGaT Center for Human Genetics Tuebingen
Classification: Uncertain significance. Last evaluated: 2018-09-01. Review status: criteria provided, single submitter. Criteria: CeGaT Center For Human Genetics Tuebingen Variant Classification Criteria Version 2. Collection method: clinical testing. Allele origin: germline. Affected: yes. Observed: 1 variant allele.

NM_015909.4(NBAS):c.2573G>A (p.Arg858Gln)

Gene: NBAS (NBAS subunit of NRZ tethering complex; minus strand). Cytogenetic location: 2p24.3.
Variant type: single nucleotide variant.
Coding change: c.2573G>A on transcript NM_015909.4 (MANE Select); coding-DNA position 2573, G replaced by A.
Protein change: p.Arg858Gln; replaces arginine 858 with glutamine.
Molecular consequence: missense variant. On other transcripts: non-coding transcript variant (1).
Genome position (GRCh38, 1-based): chr2:15,424,319, C>T on the plus strand (G>A on the coding strand, the complement: NBAS is on the minus strand). VCF-style: chr2-15424319-C-T. GRCh37 (hg19) VCF-style: chr2-15564443-C-T.
Other names: c.2573G>A (NM_015909.2); short protein forms R858Q.
Identifiers: ClinVar variation 808670 (VCV000808670.46), dbSNP rs775595422, ClinGen allele CA345888982.
Genomic context (GRCh38, chr2:15,424,319, plus strand): 5'-AGGATCCAAGGCAGTTCCACTAACATTACTGAGCAGCAGCTGCCATTTCCCCTCACCTGC[C>T]GAGCATAATGCTCTATTTCCTCTGCTCTGGTCTGATACCAGTCCATAACCTTCTCCACCG-3'
Protein context (NP_056993.2, residues 848-868): TRAEEIEHYA[Arg858Gln]QVDCALSLIR